The following is an entry in ClinVar:

ClinVar aggregate classification (germline): Uncertain significance (1 of 4 stars; one submission).

Conditions:
Neurodevelopmental disorder with progressive spasticity and brain white matter abnormalities. Also called: CEREBRAL PALSY, SPASTIC QUADRIPLEGIC, 1. Identifiers: Orphanet 210141, Orphanet 641353, MedGen C5436628, MONDO:0033613, OMIM 619026.

Submission:

Labcorp Genetics (formerly Invitae), Labcorp
Classification: Uncertain significance for Neurodevelopmental disorder with progressive spasticity and brain white matter abnormalities. Last evaluated: 2022-08-09. Review status: criteria provided, single submitter. Criteria: Invitae Variant Classification Sherloc (09022015). Collection method: clinical testing. Allele origin: germline.
Comment: This variant has not been reported in the literature in individuals affected with GAD1-related conditions. ClinVar contains an entry for this variant (Variation ID: 1347173). Algorithms developed to predict the effect of missense changes on protein structure and function are either unavailable or do not agree on the potential impact of this missense change (SIFT: "Tolerated"; PolyPhen-2: "Probably Damaging"; Align-GVGD: "Class C0"). In summary, the available evidence is currently insufficient to determine the role of this variant in disease. Therefore, it has been classified as a Variant of Uncertain Significance. This variant is not present in population databases (gnomAD no frequency). This sequence change replaces glycine, which is neutral and non-polar, with alanine, which is neutral and non-polar, at codon 109 of the GAD1 protein (p.Gly109Ala).

NM_000817.3(GAD1):c.326G>C (p.Gly109Ala)

Gene: GAD1 (glutamate decarboxylase 1; plus strand). Cytogenetic location: 2q31.1.
Variant type: single nucleotide variant.
Coding change: c.326G>C on transcript NM_000817.3 (MANE Select); coding-DNA position 326, G replaced by C.
Protein change: p.Gly109Ala; replaces glycine 109 with alanine.
Molecular consequence: missense variant.
Genome position (GRCh38, 1-based): chr2:170,830,971, G>C. VCF-style: chr2-170830971-G-C. GRCh37 (hg19) VCF-style: chr2-171687481-G-C.
Other names: c.326G>C, p.Gly109Ala (NM_013445.4); short protein forms G109A.
Identifiers: ClinVar variation 1347173 (VCV001347173.8), dbSNP rs1228823911, ClinGen allele CA349272524.